The following is an entry in ClinVar:

NM_005121.3(MED13):c.3195C>G (p.Ile1065Met)

Gene: MED13 (mediator complex subunit 13; minus strand). Cytogenetic location: 17q23.2.
Variant type: single nucleotide variant.
Coding change: c.3195C>G on transcript NM_005121.3 (MANE Select); coding-DNA position 3195, C replaced by G.
Protein change: p.Ile1065Met; replaces isoleucine 1065 with methionine.
Molecular consequence: missense variant.
Genome position (GRCh38, 1-based): chr17:61,982,808, G>C on the plus strand (C>G on the coding strand, the complement: MED13 is on the minus strand). VCF-style: chr17-61982808-G-C. GRCh37 (hg19) VCF-style: chr17-60060169-G-C.
Other names: short protein forms I1065M.
Identifiers: ClinVar variation 3364694 (VCV003364694.1).

ClinVar aggregate classification (germline): Uncertain significance (1 of 4 stars; one submission).

Submission:

GeneDx
Classification: Uncertain significance. Last evaluated: 2023-11-29. Review status: criteria provided, single submitter. Criteria: GeneDx Variant Classification Process June 2021. Collection method: clinical testing. Allele origin: germline. Affected: yes.
Comment: Not observed at significant frequency in large population cohorts (gnomAD); In silico analysis supports that this missense variant does not alter protein structure/function; Has not been previously published as pathogenic or benign to our knowledge